The following is an entry in ClinVar:

NM_006904.7(PRKDC):c.9225G>C (p.Lys3075Asn)

Gene: PRKDC (protein kinase, DNA-activated, catalytic subunit; minus strand). Cytogenetic location: 8q11.21.
Variant type: single nucleotide variant.
Coding change: c.9225G>C on transcript NM_006904.7 (MANE Select); coding-DNA position 9225, G replaced by C.
Protein change: p.Lys3075Asn; replaces lysine 3075 with asparagine.
Molecular consequence: missense variant.
Genome position (GRCh38, 1-based): chr8:47,820,830, C>G on the plus strand (G>C on the coding strand, the complement: PRKDC is on the minus strand). VCF-style: chr8-47820830-C-G. GRCh37 (hg19) VCF-style: chr8-48733391-C-G.
Other names: c.9225G>C, p.Lys3075Asn (NM_001081640.2); short protein forms K3075N.
Identifiers: ClinVar variation 2624586 (VCV002624586.2), dbSNP rs2551865357, ClinGen allele CA371139616.

ClinVar aggregate classification (germline): Uncertain significance (1 of 4 stars; one submission).

Submission:

Ambry Genetics
Classification: Uncertain significance. Last evaluated: 2023-08-13. Review status: criteria provided, single submitter. Criteria: Ambry Variant Classification Scheme 2023. Collection method: clinical testing. Allele origin: germline.
Comment: The p.K3075N variant (also known as c.9225G>C), located in coding exon 66 of the PRKDC gene, results from a G to C substitution at nucleotide position 9225. The lysine at codon 3075 is replaced by asparagine, an amino acid with similar properties. This amino acid position is conserved. In addition, this alteration is predicted to be tolerated by in silico analysis. Since supporting evidence is limited at this time, the clinical significance of this alteration remains unclear.